The following is an entry in ClinVar:

ClinVar aggregate classification (germline): Uncertain significance. Review status: criteria provided, multiple submitters, no conflicts (2 of 4 stars). 2 submissions from 2 submitters: Uncertain significance (2). Last evaluated 2023-10-03.

Allele frequency attached by ClinVar (database versions not stated): TOPMed 0.00003; gnomAD 0.00005 and 0.00006; ESP Exome Variant Server 0.00015; 1000 Genomes Project 30x 0.00016; 1000 Genomes Project 0.00020; gnomAD exomes 0.00002; ExAC 0.00003.
gnomAD v4.1: 22 of 1,608,236 alleles (0.0014%); highest among the groups gnomAD compares: African/African-American, 0.027%; no homozygotes.

Submissions (2):

Labcorp Genetics (formerly Invitae), Labcorp
Classification: Uncertain significance. Last evaluated: 2023-10-03. Review status: criteria provided, single submitter. Criteria: Invitae Variant Classification Sherloc (09022015). Collection method: clinical testing. Allele origin: germline.
Comment: This sequence change replaces glutamine, which is neutral and polar, with histidine, which is basic and polar, at codon 1298 of the HSPG2 protein (p.Gln1298His). This variant is present in population databases (rs147438001, gnomAD 0.02%). This variant has not been reported in the literature in individuals affected with HSPG2-related conditions. ClinVar contains an entry for this variant (Variation ID: 289427). Algorithms developed to predict the effect of missense changes on protein structure and function output the following: SIFT: "Not Available"; PolyPhen-2: "Benign"; Align-GVGD: "Not Available". The histidine amino acid residue is found in multiple mammalian species, which suggests that this missense change does not adversely affect protein function. In summary, the available evidence is currently insufficient to determine the role of this variant in disease. Therefore, it has been classified as a Variant of Uncertain Significance.

Eurofins Ntd Llc (ga)
Classification: Uncertain significance. Last evaluated: 2016-08-30. Review status: criteria provided, single submitter. Criteria: EGL Classification Definitions 2015. Collection method: clinical testing. Allele origin: germline. Observed: 1 variant allele, 1 heterozygote.

NM_005529.7(HSPG2):c.3894G>C (p.Gln1298His)

Gene: HSPG2 (heparan sulfate proteoglycan 2; minus strand). Cytogenetic location: 1p36.12.
Variant type: single nucleotide variant.
Coding change: c.3894G>C on transcript NM_005529.7 (MANE Select); coding-DNA position 3894, G replaced by C.
Protein change: p.Gln1298His; replaces glutamine 1298 with histidine.
Molecular consequence: missense variant.
Genome position (GRCh38, 1-based): chr1:21,872,755, C>G on the plus strand (G>C on the coding strand, the complement: HSPG2 is on the minus strand). VCF-style: chr1-21872755-C-G. GRCh37 (hg19) VCF-style: chr1-22199248-C-G.
Other names: c.3897G>C, p.Gln1299His (NM_001291860.2); short protein forms Q1298H, Q1299H.
Identifiers: ClinVar variation 289427 (VCV000289427.9), dbSNP rs147438001, ClinGen allele CA672422.